The following is an entry in ClinVar:

NM_005359.6(SMAD4):c.797C>T (p.Thr266Ile)

Gene: SMAD4 (SMAD family member 4; plus strand). Cytogenetic location: 18q21.2.
Variant type: single nucleotide variant.
Coding change: c.797C>T on transcript NM_005359.6 (MANE Select); coding-DNA position 797, C replaced by T.
Protein change: p.Thr266Ile; replaces threonine 266 with isoleucine.
Molecular consequence: missense variant.
Genome position (GRCh38, 1-based): chr18:51,058,349, C>T. VCF-style: chr18-51058349-C-T. GRCh37 (hg19) VCF-style: chr18-48584719-C-T.
Other names: short protein forms T266I.
Identifiers: ClinVar variation 921988 (VCV000921988.6), dbSNP rs1909899027, ClinGen allele CA402463289.

ClinVar aggregate classification (germline): Uncertain significance. Review status: criteria provided, multiple submitters, no conflicts (2 of 4 stars). 2 submissions from 2 submitters: Uncertain significance (2). Last evaluated 2024-02-12.

Conditions:
Juvenile polyposis syndrome (JPS). Identifiers: Orphanet 2929, MedGen C0345893, MONDO:0017380, OMIM 174900.
Hereditary cancer-predisposing syndrome. Also called: Hereditary Cancer Syndrome; Hereditary neoplastic syndrome; Neoplastic Syndromes, Hereditary; Tumor predisposition. Identifiers: Orphanet 140162, MedGen C0027672, MeSH D009386, MONDO:0015356.

Submissions (2):

Labcorp Genetics (formerly Invitae), Labcorp
Classification: Uncertain significance for Juvenile polyposis syndrome. Last evaluated: 2024-02-12. Review status: criteria provided, single submitter. Criteria: Invitae Variant Classification Sherloc (09022015). Collection method: clinical testing. Allele origin: germline.
Comment: This sequence change replaces threonine, which is neutral and polar, with isoleucine, which is neutral and non-polar, at codon 266 of the SMAD4 protein (p.Thr266Ile). This variant is not present in population databases (gnomAD no frequency). This variant has not been reported in the literature in individuals affected with SMAD4-related conditions. ClinVar contains an entry for this variant (Variation ID: 921988). Advanced modeling of protein sequence and biophysical properties (such as structural, functional, and spatial information, amino acid conservation, physicochemical variation, residue mobility, and thermodynamic stability) has been performed at Invitae for this missense variant, however the output from this modeling did not meet the statistical confidence thresholds required to predict the impact of this variant on SMAD4 protein function. In summary, the available evidence is currently insufficient to determine the role of this variant in disease. Therefore, it has been classified as a Variant of Uncertain Significance.

Color Diagnostics, LLC DBA Color Health
Classification: Uncertain significance for Hereditary cancer-predisposing syndrome. Last evaluated: 2020-01-03. Review status: criteria provided, single submitter. Criteria: ACMG Guidelines, 2015. Collection method: clinical testing. Allele origin: germline.
Comment: This missense variant replaces threonine with isoleucine at codon 266 of the SMAD4 protein. Computational prediction suggests that this variant may not impact protein structure and function (internally defined REVEL score threshold <= 0.5, PMID: 27666373). Splice site prediction tools suggest that this variant may not impact RNA splicing. To our knowledge, functional studies have not been performed for this variant. This variant has not been reported in individuals affected with hereditary cancer in the literature. This variant has not been identified in the general population by the Genome Aggregation Database (gnomAD). The available evidence is insufficient to determine the role of this variant in disease conclusively. Therefore, this variant is classified as a Variant of Uncertain Significance.